The following is an entry in ClinVar:

NM_025137.4(SPG11):c.5220_5224del (p.Lys1740fs)

Gene: SPG11 (SPG11 vesicle trafficking associated, spatacsin; minus strand). Cytogenetic location: 15q21.1.
Variant type: Deletion.
Coding change: c.5220_5224del on transcript NM_025137.4 (MANE Select); coding-DNA positions 5220 to 5224, 5 bases deleted (AAATT; older notation c.5220_5224delAAATT).
Protein change: p.Lys1740fs; shifts the reading frame from lysine 1740.
Molecular consequence: frameshift variant. On other transcripts: intron variant (1).
Genome position (GRCh38, 1-based): chr15:44,584,456-44,584,460, AATTT deleted on the plus strand (AAATT on the coding strand, the reverse complement: SPG11 is on the minus strand). VCF-style (leftmost placement, unchanged base first): chr15-44584455-GAATTT-G. GRCh37 (hg19) VCF-style: chr15-44876653-GAATTT-G.
Other names: c.5220_5224del, p.Lys1740fs (NM_001160227.2); c.5122-46_5122-42del (NM_001411132.1); short protein forms K1740fs.
Identifiers: ClinVar variation 2697643 (VCV002697643.3), dbSNP rs2505293484, ClinGen allele CA2697554434.
Genomic context (GRCh38, chr15:44,584,455, plus strand): 5'-TGCTCACATGCCACATGGGCCTGGGTTGAGAAAAAGGAAGAAGCTGCTTTGCTTGAAATT[GAATTT>G]TTCTTAAAATTCTCATGGCATTTTTTCCAGAAGTCAATTCTTGCTTGTTTTAGTGACCAC-3'

ClinVar aggregate classification (germline): Pathogenic (1 of 4 stars; one submission).

Conditions:
Hereditary spastic paraplegia 11. Also called: SPASTIC PARAPLEGIA, AUTOSOMAL RECESSIVE, COMPLICATED, WITH THIN CORPUS CALLOSUM; SPASTIC PARAPLEGIA, AUTOSOMAL RECESSIVE, WITH MENTAL IMPAIRMENT AND THIN CORPUS CALLOSUM; Spastic Paraplegia 11; Spastic paraplegia, mental retardation and thin corpus callosum; Nakamura Osame syndrome; Autosomal recessive hereditary spastic paraplegia, mental impairment, and thin corpus callosum. Identifiers: Orphanet 2822, MedGen C1858479, MONDO:0011445, OMIM 604360.

Submission:

Labcorp Genetics (formerly Invitae), Labcorp
Classification: Pathogenic for Hereditary spastic paraplegia 11. Last evaluated: 2023-11-20. Review status: criteria provided, single submitter. Criteria: Invitae Variant Classification Sherloc (09022015). Collection method: clinical testing. Allele origin: germline.
Comment: This sequence change creates a premature translational stop signal (p.Lys1740Asnfs*20) in the SPG11 gene. It is expected to result in an absent or disrupted protein product. Loss-of-function variants in SPG11 are known to be pathogenic (PMID: 19105190, 20110243, 22154821, 26556829). This variant is not present in population databases (gnomAD no frequency). This variant has not been reported in the literature in individuals affected with SPG11-related conditions. For these reasons, this variant has been classified as Pathogenic.

Literature cited by the submitters: PubMed 19105190; PubMed 20110243; PubMed 22154821; PubMed 26556829.